The following is an entry in ClinVar:

NM_006767.4(LZTR1):c.985G>A (p.Asp329Asn)

Gene: LZTR1 (leucine zipper like post translational regulator 1; plus strand). Cytogenetic location: 22q11.21.
Variant type: single nucleotide variant.
Coding change: c.985G>A on transcript NM_006767.4 (MANE Select); coding-DNA position 985, G replaced by A.
Protein change: p.Asp329Asn; replaces aspartic acid 329 with asparagine.
Molecular consequence: missense variant.
Genome position (GRCh38, 1-based): chr22:20,991,821, G>A. VCF-style: chr22-20991821-G-A. GRCh37 (hg19) VCF-style: chr22-21346110-G-A.
Other names: short protein forms D329N.
Identifiers: ClinVar variation 2496780 (VCV002496780.8), dbSNP rs771851532, ClinGen allele CA10118675.

ClinVar aggregate classification (germline): Conflicting classifications of pathogenicity. Review status: criteria provided, conflicting classifications (1 of 4 stars). 5 submissions from 5 submitters: Uncertain significance (3); Likely benign (1). 1 of the submissions does not count toward it. Last evaluated 2025-01-30.

Conditions:
Hereditary cancer-predisposing syndrome. Also called: Neoplastic Syndromes, Hereditary; Hereditary neoplastic syndrome; Tumor predisposition; Hereditary Cancer Syndrome. Identifiers: Orphanet 140162, MedGen C0027672, MeSH D009386, MONDO:0015356.
Cardiovascular phenotype. Identifiers: MedGen CN230736.
LZTR1-related disorder. Also called: LZTR1-related disorders; LZTR1-related condition.
LZTR1-related schwannomatosis. Also called: Schwannomatosis 2; Schwannomatosis-2, susceptibility to. Identifiers: Orphanet 93921, MedGen C3810283, MONDO:0014299, OMIM 615670.

Allele frequency attached by ClinVar (database versions not stated): gnomAD 0.00001; gnomAD exomes 0.00001; ExAC 0.00005.
gnomAD v4.1: 9 of 1,549,186 alleles (0.00058%); highest among the groups gnomAD compares: African/African-American, 0.0027%; no homozygotes.

Submissions (5):

Ambry Genetics
Classification: Likely benign for Cardiovascular phenotype; Hereditary cancer-predisposing syndrome. Last evaluated: 2025-01-30. Review status: criteria provided, single submitter. Criteria: Ambry Variant Classification Scheme 2023. Collection method: clinical testing. Allele origin: germline.

GeneDx
Classification: Uncertain significance. Last evaluated: 2024-11-20. Review status: criteria provided, single submitter. Criteria: GeneDx Variant Classification Process June 2021. Collection method: clinical testing. Allele origin: germline. Affected: yes.
Comment: Not observed at significant frequency in large population cohorts (gnomAD); In silico analysis indicates that this missense variant does not alter protein structure/function; This variant is associated with the following publications: (PMID: 34645491)

Baylor Genetics
Classification: Uncertain significance for LZTR1-related schwannomatosis. Last evaluated: 2023-10-13. Review status: criteria provided, single submitter. Criteria: ACMG Guidelines, 2015. Collection method: clinical testing. Allele origin: unknown.

Labcorp Genetics (formerly Invitae), Labcorp
Classification: Uncertain significance. Last evaluated: 2023-07-21. Review status: criteria provided, single submitter. Criteria: Invitae Variant Classification Sherloc (09022015). Collection method: clinical testing. Allele origin: germline.
Comment: ClinVar contains an entry for this variant (Variation ID: 2496780). Advanced modeling of protein sequence and biophysical properties (such as structural, functional, and spatial information, amino acid conservation, physicochemical variation, residue mobility, and thermodynamic stability) performed at Invitae indicates that this missense variant is not expected to disrupt LZTR1 protein function. In summary, the available evidence is currently insufficient to determine the role of this variant in disease. Therefore, it has been classified as a Variant of Uncertain Significance. This sequence change replaces aspartic acid, which is acidic and polar, with asparagine, which is neutral and polar, at codon 329 of the LZTR1 protein (p.Asp329Asn). The frequency data for this variant in the population databases is considered unreliable, as metrics indicate poor data quality at this position in the gnomAD database. This variant has not been reported in the literature in individuals affected with LZTR1-related conditions.

PreventionGenetics, part of Exact Sciences
Classification: Uncertain significance for LZTR1-related condition. Last evaluated: 2024-04-03. Review status: no assertion criteria provided. Collection method: clinical testing. Allele origin: germline. Not counted in ClinVar's aggregate classification.
Comment: The LZTR1 c.985G>A variant is predicted to result in the amino acid substitution p.Asp329Asn. This variant has been reported, along with another likely pathogenic variant in LZTR1, in an individual with Noonan Syndrome (Table S1, De La Vega et al. 2021. PubMed ID: 34645491). This variant is reported in 0.0057% of alleles in individuals of African descent in gnomAD. Although we suspect that this variant may be pathogenic, at this time, the clinical significance of this variant is uncertain due to the absence of conclusive functional and genetic evidence.